The following is an entry in ClinVar:

ClinVar aggregate classification (germline): Uncertain significance (1 of 4 stars; one submission).

Submission:

Labcorp Genetics (formerly Invitae), Labcorp
Classification: Uncertain significance. Last evaluated: 2022-04-09. Review status: criteria provided, single submitter. Criteria: Invitae Variant Classification Sherloc (09022015). Collection method: clinical testing. Allele origin: germline.
Comment: In summary, the available evidence is currently insufficient to determine the role of this variant in disease. Therefore, it has been classified as a Variant of Uncertain Significance. Advanced modeling of protein sequence and biophysical properties (such as structural, functional, and spatial information, amino acid conservation, physicochemical variation, residue mobility, and thermodynamic stability) performed at Invitae indicates that this missense variant is not expected to disrupt NR2F1 protein function. This variant has not been reported in the literature in individuals affected with NR2F1-related conditions. The frequency data for this variant in the population databases is considered unreliable, as metrics indicate insufficient coverage at this position in the gnomAD database. This sequence change replaces glycine, which is neutral and non-polar, with alanine, which is neutral and non-polar, at codon 45 of the NR2F1 protein (p.Gly45Ala).

NM_005654.6(NR2F1):c.134G>C (p.Gly45Ala)

Genes: NR2F1 (nuclear receptor subfamily 2 group F member 1; plus strand), NR2F1-AS1 (NR2F1 regulatory antisense RNA 1; minus strand). Cytogenetic location: 5q15.
Variant type: single nucleotide variant.
Coding change: c.134G>C on transcript NM_005654.6 (MANE Select); coding-DNA position 134, G replaced by C.
Protein change: p.Gly45Ala; replaces glycine 45 with alanine.
Molecular consequence: missense variant.
Genome position (GRCh38, 1-based): chr5:93,585,157, G>C. VCF-style: chr5-93585157-G-C. GRCh37 (hg19) VCF-style: chr5-92920863-G-C.
Other names: short protein forms G45A.
Identifiers: ClinVar variation 1897486 (VCV001897486.5), dbSNP rs1273388563, ClinGen allele CA360525601.
Genomic context (GRCh38, chr5:93,585,157, plus strand): 5'-CCGCAGCGCAGGCGGCCCGCGGCGGCGGCGGCGGCGCCGGCGAGCAGCAGCAGCAGGCGG[G>C]CTCGGGCGCGCCGCACACGCCGCAGACCCCGGGCCAGCCCGGAGCGCCCGCCACCCCCGG-3'
Protein context (NP_005645.1, residues 35-55): GGAGEQQQQA[Gly45Ala]SGAPHTPQTP